The following is an entry in ClinVar:

ClinVar aggregate classification (germline): Uncertain significance. Review status: criteria provided, multiple submitters, no conflicts (2 of 4 stars). 3 submissions from 3 submitters: Uncertain significance (3). Last evaluated 2024-09-09.

Conditions:
Familial melanoma. Also called: Hereditary melanoma; Hereditary cutaneous melanoma. Identifiers: Orphanet 618, MedGen C1512419, MONDO:0018961.
Hereditary cancer-predisposing syndrome. Also called: Neoplastic Syndromes, Hereditary; Hereditary Cancer Syndrome; Tumor predisposition; Hereditary neoplastic syndrome. Identifiers: Orphanet 140162, MedGen C0027672, MeSH D009386, MONDO:0015356.
Melanoma and neural system tumor syndrome. Also called: MELANOMA-ASTROCYTOMA SYNDROME. Identifiers: Orphanet 252206, MedGen C1835042, MONDO:0007967, OMIM 155755.

Submissions (3):

Ambry Genetics
Classification: Uncertain significance for Hereditary cancer-predisposing syndrome. Last evaluated: 2024-09-09. Review status: criteria provided, single submitter. Criteria: Ambry Variant Classification Scheme 2023. Collection method: clinical testing. Allele origin: germline.
Comment: The p.L45V variant (also known as c.133C>G), located in coding exon 1 of the CDKN2A gene, results from a C to G substitution at nucleotide position 133. The leucine at codon 45 is replaced by valine, an amino acid with highly similar properties. This amino acid position is well conserved in available vertebrate species. In addition, this alteration is predicted to be tolerated by in silico analysis. Based on the available evidence, the clinical significance of this variant remains unclear.

Baylor Genetics
Classification: Uncertain significance for Melanoma and neural system tumor syndrome. Last evaluated: 2023-05-12. Review status: criteria provided, single submitter. Criteria: ACMG Guidelines, 2015. Collection method: clinical testing. Allele origin: unknown.

Labcorp Genetics (formerly Invitae), Labcorp
Classification: Uncertain significance for Familial melanoma. Last evaluated: 2021-07-13. Review status: criteria provided, single submitter. Criteria: Invitae Variant Classification Sherloc (09022015). Collection method: clinical testing. Allele origin: germline.

NM_058195.4(CDKN2A):c.133C>G (p.Leu45Val)

Gene: CDKN2A (cyclin dependent kinase inhibitor 2A; minus strand). Cytogenetic location: 9p21.3.
Variant type: single nucleotide variant.
Coding change: c.133C>G on transcript NM_058195.4 (MANE Plus Clinical); coding-DNA position 133, C replaced by G.
Protein change: p.Leu45Val; replaces leucine 45 with valine.
Molecular consequence: missense variant. On other transcripts: intron variant (1).
Genome position (GRCh38, 1-based): chr9:21,994,199, G>C on the plus strand (C>G on the coding strand, the complement: CDKN2A is on the minus strand). VCF-style: chr9-21994199-G-C. GRCh37 (hg19) VCF-style: chr9-21994198-G-C.
Other names: c.-4+622C>G (NM_001363763.2); short protein forms L45V.
Identifiers: ClinVar variation 483346 (VCV000483346.12), dbSNP rs1554659193, ClinGen allele CA373086883.